The following is an entry in ClinVar:

NM_177438.3(DICER1):c.3521C>T (p.Ala1174Val)

Gene: DICER1 (dicer 1, ribonuclease III; minus strand). Cytogenetic location: 14q32.13.
Variant type: single nucleotide variant.
Coding change: c.3521C>T on transcript NM_177438.3 (MANE Select); coding-DNA position 3521, C replaced by T.
Protein change: p.Ala1174Val; replaces alanine 1174 with valine.
Molecular consequence: missense variant. On other transcripts: non-coding transcript variant (6).
Genome position (GRCh38, 1-based): chr14:95,103,875, G>A on the plus strand (C>T on the coding strand, the complement: DICER1 is on the minus strand). VCF-style: chr14-95103875-G-A. GRCh37 (hg19) VCF-style: chr14-95570212-G-A.
Other names: c.2954C>T, p.Ala985Val (NM_001395691.1); c.3521C>T, p.Ala1174Val (NM_001395692.1, NM_001395693.1, NM_001395694.1 and 12 more transcripts); c.3116C>T, p.Ala1039Val (NM_001395696.1, NM_001395687.1, NM_001395688.1 and 2 more transcripts); c.1838C>T, p.Ala613Val (NM_001395697.1); c.3239C>T, p.Ala1080Val (NM_001395686.1); short protein forms A613V, A985V, A1080V, A1174V, A1039V.
Identifiers: ClinVar variation 4843073 (VCV004843073.1).

ClinVar aggregate classification (germline): Uncertain significance (1 of 4 stars; one submission).

Conditions:
Hereditary cancer-predisposing syndrome. Also called: Neoplastic Syndromes, Hereditary; Tumor predisposition; Hereditary Cancer Syndrome; Hereditary neoplastic syndrome. Identifiers: Orphanet 140162, MedGen C0027672, MeSH D009386, MONDO:0015356.

Submission:

Ambry Genetics
Classification: Uncertain significance for Hereditary cancer-predisposing syndrome. Last evaluated: 2025-12-26. Review status: criteria provided, single submitter. Criteria: Ambry Variant Classification Scheme 2023. Collection method: clinical testing. Allele origin: germline.
Comment: The p.A1174V variant (also known as c.3521C>T), located in coding exon 20 of the DICER1 gene, results from a C to T substitution at nucleotide position 3521. The alanine at codon 1174 is replaced by valine, an amino acid with similar properties. This amino acid position is conserved. In addition, the in silico prediction for this alteration is inconclusive. Based on the available evidence, the clinical significance of this variant remains unclear.